The following is an entry in ClinVar:

ClinVar aggregate classification (germline): Uncertain significance (1 of 4 stars; one submission).

Conditions:
Inborn genetic diseases. Identifiers: MedGen C0950123, MeSH D030342.

Allele frequency attached by ClinVar (database versions not stated): gnomAD exomes below 0.00001; ExAC 0.00004; gnomAD 0.00005; TOPMed 0.00005; ESP Exome Variant Server 0.00008.
gnomAD v4.1: 10 of 1,609,842 alleles (0.00062%); highest among the groups gnomAD compares: African/African-American, 0.013%; no homozygotes.

Submission:

Ambry Genetics
Classification: Uncertain significance for Inborn genetic diseases. Last evaluated: 2021-10-04. Review status: criteria provided, single submitter. Criteria: Ambry Variant Classification Scheme 2023. Collection method: clinical testing. Allele origin: germline.
Comment: The p.P116S variant (also known as c.346C>T), located in coding exon 1 of the WNK1 gene, results from a C to T substitution at nucleotide position 346. The proline at codon 116 is replaced by serine, an amino acid with similar properties. This amino acid position is not well conserved in available vertebrate species, and serine is the reference amino acid in other vertebrate species. In addition, this alteration is predicted to be tolerated by in silico analysis. Since supporting evidence is limited at this time, the clinical significance of this alteration remains unclear.

NM_018979.4(WNK1):c.346C>T (p.Pro116Ser)

Gene: WNK1 (WNK lysine deficient protein kinase 1; plus strand). Cytogenetic location: 12p13.33.
Variant type: single nucleotide variant.
Coding change: c.346C>T on transcript NM_018979.4 (MANE Select); coding-DNA position 346, C replaced by T.
Protein change: p.Pro116Ser; replaces proline 116 with serine.
Molecular consequence: missense variant.
Genome position (GRCh38, 1-based): chr12:753,911, C>T. VCF-style: chr12-753911-C-T. GRCh37 (hg19) VCF-style: chr12-863077-C-T.
Other names: c.346C>T, p.Pro116Ser (NM_001184985.2, NM_014823.3, NM_213655.5); short protein forms P116S.
Identifiers: ClinVar variation 1731716 (VCV001731716.2), dbSNP rs72647370, ClinGen allele CA6381759.
Genomic context (GRCh38, chr12:753,911, plus strand): 5'-CCCGGCCTTCCTCTTTCCCTGCCCCAGCCCAGCATCCCCGCGGCTGTCCCGCAGAGTGCT[C>T]CACCGGAGCCCCACCGGGAAGAGACCGTGACCGCCACCGCCACTTCCCAGGTAGCCCAGC-3'
Protein context (NP_061852.3, residues 106-126): SIPAAVPQSA[Pro116Ser]PEPHREETVT